The following is an entry in ClinVar:

ClinVar aggregate classification (germline): Benign/Likely benign. Review status: criteria provided, multiple submitters, no conflicts (2 of 4 stars). 3 submissions from 3 submitters: Benign (1); Likely benign (1). 1 of the submissions does not count toward it. Last evaluated 2026-07-01.

Conditions:
ITPR3-related disorder. Also called: ITPR3-related condition.

Allele frequency attached by ClinVar (database versions not stated): gnomAD exomes 0.00040; ExAC 0.00051; ESP Exome Variant Server 0.00138; gnomAD 0.00165 and 0.00175; TOPMed 0.00177; 1000 Genomes Project 0.00180; 1000 Genomes Project 30x 0.00219.
gnomAD v4.1: 439 of 1,591,294 alleles (0.028%); highest among the groups gnomAD compares: African/African-American, 0.55%; 1 homozygote.

Submissions (3):

CeGaT Center for Human Genetics Tuebingen
Classification: Likely benign. Last evaluated: 2026-07-01. Review status: criteria provided, single submitter. Criteria: CeGaT Center For Human Genetics Tuebingen Variant Classification Criteria Version 2. Collection method: clinical testing. Allele origin: germline. Affected: yes. Observed: 1 variant allele.
Comment: ITPR3: BP4, BP7

Labcorp Genetics (formerly Invitae), Labcorp
Classification: Benign. Last evaluated: 2018-06-26. Review status: criteria provided, single submitter. Criteria: Invitae Variant Classification Sherloc (09022015). Collection method: clinical testing. Allele origin: germline.

PreventionGenetics, part of Exact Sciences
Classification: Likely benign for ITPR3-related condition. Last evaluated: 2019-11-25. Review status: no assertion criteria provided. Collection method: clinical testing. Allele origin: germline. Not counted in ClinVar's aggregate classification.
Comment: This variant is classified as likely benign based on ACMG/AMP sequence variant interpretation guidelines (Richards et al. 2015 PMID: 25741868, with internal and published modifications).

NM_002224.4(ITPR3):c.4527C>T (p.Leu1509=)

Gene: ITPR3 (inositol 1,4,5-trisphosphate receptor type 3; plus strand). Cytogenetic location: 6p21.31.
Variant type: single nucleotide variant.
Coding change: c.4527C>T on transcript NM_002224.4 (MANE Select); coding-DNA position 4527, C replaced by T.
Protein change: p.Leu1509=; no amino-acid change (leucine 1509 retained).
Molecular consequence: synonymous variant.
Genome position (GRCh38, 1-based): chr6:33,682,574, C>T. VCF-style: chr6-33682574-C-T. GRCh37 (hg19) VCF-style: chr6-33650351-C-T.
Identifiers: ClinVar variation 733997 (VCV000733997.6), dbSNP rs144998518, ClinGen allele CA3761272.